The following is an entry in ClinVar:

ClinVar aggregate classification (germline): Pathogenic (1 of 4 stars; one submission).

Conditions:
Pendred syndrome (PDS). Also called: DEAFNESS WITH GOITER; GOITER-DEAFNESS SYNDROME; HYPOTHYROIDISM, CONGENITAL, DUE TO DYSHORMONOGENESIS, 2B; THYROID DYSHORMONOGENESIS 2B; THYROID HORMONOGENESIS, GENETIC DEFECT IN, 2B; Pendred's syndrome. Identifiers: Orphanet 705, MedGen C0271829, MONDO:0010134, OMIM 274600.

gnomAD v4.1: 1 of 1,613,442 alleles (0.000062%); highest among the groups gnomAD compares: South Asian, 0.0011%; no homozygotes.

Submission:

Natera, Inc.
Classification: Pathogenic for Pendred syndrome. Last evaluated: 2025-01-31. Review status: criteria provided, single submitter. Criteria: Natera Variant Classification Schema (03/2026). Collection method: clinical testing. Allele origin: germline.
Comment: The c.1149+2T>C variant in SLC26A4 is a canonical splice donor site variant predicted to affect pre-mRNA splicing, which may result in an abnormal transcript and altered protein product. This variant is expected to result in nonsense mediated decay, truncation, or a dysfunctional protein product. This variant is rare in the general population with a frequency below the threshold expected for the associated phenotype(s). Another variant at this same site results in an alteration predicted to cause a similar molecular effect has been observed in individual(s) with the associated phenotype. Given the available evidence, this variant is classified as Pathogenic.

NM_000441.2(SLC26A4):c.1149+2T>C

Gene: SLC26A4 (solute carrier family 26 member 4; plus strand). Cytogenetic location: 7q22.3.
Variant type: single nucleotide variant.
Coding change: c.1149+2T>C on transcript NM_000441.2 (MANE Select); the canonical splice donor site of the intron after coding-DNA position 1149, T replaced by C.
Molecular consequence: splice donor variant.
Genome position (GRCh38, 1-based): chr7:107,689,202, T>C. VCF-style: chr7-107689202-T-C. GRCh37 (hg19) VCF-style: chr7-107329647-T-C.
Identifiers: ClinVar variation 4061698 (VCV004061698.2).
Genomic context (GRCh38, chr7:107,689,202, plus strand): 5'-CAGTGTCAGTAGGAAAAGTATATGCCACCAAGTATGATTACACCATCGATGGGAACCAGG[T>C]ATGGGTGCCCTTTTGCTGAACTGGTTTTATAGGGCTGGAAACAGGAAAAAAACATAAATG-3'